The following is an entry in ClinVar:

NM_017654.4(SAMD9):c.521G>T (p.Arg174Leu)

Gene: SAMD9 (sterile alpha motif domain containing 9; minus strand). Cytogenetic location: 7q21.2.
Variant type: single nucleotide variant.
Coding change: c.521G>T on transcript NM_017654.4 (MANE Select); coding-DNA position 521, G replaced by T.
Protein change: p.Arg174Leu; replaces arginine 174 with leucine.
Molecular consequence: missense variant.
Genome position (GRCh38, 1-based): chr7:93,105,577, C>A on the plus strand (G>T on the coding strand, the complement: SAMD9 is on the minus strand). VCF-style: chr7-93105577-C-A. GRCh37 (hg19) VCF-style: chr7-92734890-C-A.
Other names: c.521G>T, p.Arg174Leu (NM_001193307.2); short protein forms R174L.
Identifiers: ClinVar variation 3437056 (VCV003437056.1).

ClinVar aggregate classification (germline): Uncertain significance (1 of 4 stars; one submission).

Conditions:
Inborn genetic diseases. Identifiers: MedGen C0950123, MeSH D030342.

Submission:

Ambry Genetics
Classification: Uncertain significance for Inborn genetic diseases. Last evaluated: 2024-11-28. Review status: criteria provided, single submitter. Criteria: Ambry Variant Classification Scheme 2023. Collection method: clinical testing. Allele origin: germline.
Comment: The p.R174L variant (also known as c.521G>T), located in coding exon 1 of the SAMD9 gene, results from a G to T substitution at nucleotide position 521. The arginine at codon 174 is replaced by leucine, an amino acid with dissimilar properties. This amino acid position is conserved. In addition, this alteration is predicted to be tolerated by in silico analysis. Based on the available evidence, the clinical significance of this variant remains unclear.